The following is an entry in ClinVar:

NM_000222.3(KIT):c.2699A>T (p.Tyr900Phe)

Gene: KIT (KIT proto-oncogene, receptor tyrosine kinase; plus strand). Cytogenetic location: 4q12.
Variant type: single nucleotide variant.
Coding change: c.2699A>T on transcript NM_000222.3 (MANE Select); coding-DNA position 2699, A replaced by T.
Protein change: p.Tyr900Phe; replaces tyrosine 900 with phenylalanine.
Molecular consequence: missense variant.
Genome position (GRCh38, 1-based): chr4:54,737,177, A>T. VCF-style: chr4-54737177-A-T. GRCh37 (hg19) VCF-style: chr4-55603343-A-T.
Other names: c.2687A>T, p.Tyr896Phe (NM_001093772.2, NM_001385292.1); c.2702A>T, p.Tyr901Phe (NM_001385284.1); c.2696A>T, p.Tyr899Phe (NM_001385285.1); c.2684A>T, p.Tyr895Phe (NM_001385286.1); c.2690A>T, p.Tyr897Phe (NM_001385288.1); c.2699A>T, p.Tyr900Phe (NM_001385290.1); short protein forms Y896F, Y900F, Y895F, Y897F, Y899F, Y901F.
Identifiers: ClinVar variation 939858 (VCV000939858.9), dbSNP rs1578008242, ClinGen allele CA356914174.

ClinVar aggregate classification (germline): Uncertain significance. Review status: criteria provided, multiple submitters, no conflicts (2 of 4 stars). 2 submissions from 2 submitters: Uncertain significance (2). Last evaluated 2025-06-12.

Conditions:
Hereditary cancer-predisposing syndrome. Also called: Hereditary neoplastic syndrome; Neoplastic Syndromes, Hereditary; Hereditary Cancer Syndrome; Tumor predisposition. Identifiers: Orphanet 140162, MedGen C0027672, MeSH D009386, MONDO:0015356.
Gastrointestinal stromal tumor. Also called: Gastrointestinal stromal tumor, somatic; Gastrointestinal stroma tumor. Identifiers: Orphanet 44890, MedGen C0238198, MeSH D046152, MONDO:0011719, OMIM 606764, HP:0100723.

gnomAD v4.1: 2 of 1,606,576 alleles (0.00012%); highest among the groups gnomAD compares: Non-Finnish European, 0.000085%; no homozygotes.

Submissions (2):

Ambry Genetics
Classification: Uncertain significance for Hereditary cancer-predisposing syndrome. Last evaluated: 2025-06-12. Review status: criteria provided, single submitter. Criteria: Ambry Variant Classification Scheme 2023. Collection method: clinical testing. Allele origin: germline.
Comment: The p.Y900F variant (also known as c.2699A>T), located in coding exon 20 of the KIT gene, results from an A to T substitution at nucleotide position 2699. The tyrosine at codon 900 is replaced by phenylalanine, an amino acid with highly similar properties. This amino acid position is highly conserved in available vertebrate species. In addition, the in silico prediction for this alteration is inconclusive. Based on the available evidence, the clinical significance of this variant remains unclear.

Labcorp Genetics (formerly Invitae), Labcorp
Classification: Uncertain significance for Gastrointestinal stromal tumor. Last evaluated: 2025-02-27. Review status: criteria provided, single submitter. Criteria: Invitae Variant Classification Sherloc (09022015). Collection method: clinical testing. Allele origin: germline.
Comment: This sequence change replaces tyrosine, which is neutral and polar, with phenylalanine, which is neutral and non-polar, at codon 900 of the KIT protein (p.Tyr900Phe). This variant is not present in population databases (gnomAD no frequency). This variant has not been reported in the literature in individuals affected with KIT-related conditions. ClinVar contains an entry for this variant (Variation ID: 939858). An algorithm developed to predict the effect of missense changes on protein structure and function (PolyPhen-2) suggests that this variant is likely to be disruptive. Experimental studies are conflicting or provide insufficient evidence to determine the effect of this variant on KIT function (PMID: 12878163). In summary, the available evidence is currently insufficient to determine the role of this variant in disease. Therefore, it has been classified as a Variant of Uncertain Significance.

Literature cited by the submitters: PubMed 12878163 (cited by Labcorp Genetics (formerly Invitae), Labcorp).